The following is an entry in ClinVar:

NM_207122.2(EXT2):c.626+6A>T

Gene: EXT2 (exostosin glycosyltransferase 2; plus strand). Cytogenetic location: 11p11.2.
Variant type: single nucleotide variant.
Coding change: c.626+6A>T on transcript NM_207122.2 (MANE Select); 6 bases into the intron after coding-DNA position 626, A replaced by T.
Molecular consequence: intron variant.
Genome position (GRCh38, 1-based): chr11:44,109,289, A>T. VCF-style: chr11-44109289-A-T. GRCh37 (hg19) VCF-style: chr11-44130839-A-T.
Other names: c.626+6A>T (NM_001389630.1, NM_001178083.3, NM_001389628.1); c.725+6A>T (NM_000401.3).
Identifiers: ClinVar variation 2141228 (VCV002141228.4), dbSNP rs530809731, ClinGen allele CA5954949.

ClinVar aggregate classification (germline): Uncertain significance (1 of 4 stars; one submission).

Conditions:
Exostoses, multiple, type 2 (EXT2). Also called: Hereditary Multiple Osteochondromatosis, Type II; EXOSTOSES, MULTIPLE, TYPE II. Identifiers: Orphanet 321, MedGen C1851413, MONDO:0007586, OMIM 133701.

Allele frequency attached by ClinVar (database versions not stated): gnomAD 0.00001; gnomAD exomes 0.00002; ExAC 0.00006.

Submission:

Labcorp Genetics (formerly Invitae), Labcorp
Classification: Uncertain significance for Exostoses, multiple, type 2. Last evaluated: 2025-06-24. Review status: criteria provided, single submitter. Criteria: Invitae Variant Classification Sherloc (09022015). Collection method: clinical testing. Allele origin: germline.
Comment: This sequence change falls in intron 3 of the EXT2 gene. It does not directly change the encoded amino acid sequence of the EXT2 protein. It affects a nucleotide within the consensus splice site. This variant is present in population databases (rs530809731, gnomAD 0.03%). This variant has not been reported in the literature in individuals affected with EXT2-related conditions. ClinVar contains an entry for this variant (Variation ID: 2141228). Variants that disrupt the consensus splice site are a relatively common cause of aberrant splicing (PMID: 17576681, 9536098). Algorithms developed to predict the effect of sequence changes on RNA splicing suggest that this variant is not likely to affect RNA splicing. In summary, the available evidence is currently insufficient to determine the role of this variant in disease. Therefore, it has been classified as a Variant of Uncertain Significance.

Literature cited by the submitters: PubMed 17576681; PubMed 9536098.